The following is an entry in ClinVar:

NM_001371596.2(MFSD8):c.796C>T (p.Gln266Ter)

Gene: MFSD8 (major facilitator superfamily domain containing 8; minus strand). Cytogenetic location: 4q28.2.
Variant type: single nucleotide variant.
Coding change: c.796C>T on transcript NM_001371596.2 (MANE Select); coding-DNA position 796, C replaced by T.
Protein change: p.Gln266Ter; replaces glutamine 266 with a stop codon.
Molecular consequence: nonsense.
Genome position (GRCh38, 1-based): chr4:127,933,052, G>A on the plus strand (C>T on the coding strand, the complement: MFSD8 is on the minus strand). VCF-style: chr4-127933052-G-A. GRCh37 (hg19) VCF-style: chr4-128854207-G-A.
Other names: c.595C>T, p.Gln199Ter (NM_001363520.3); c.481C>T, p.Gln161Ter (NM_001363521.3); c.661C>T, p.Gln221Ter (NM_001371590.2); c.796C>T, p.Gln266Ter (NM_001371591.2, NM_001437269.1, NM_152778.4); c.802C>T, p.Gln268Ter (NM_001371592.2); c.682C>T, p.Gln228Ter (NM_001371593.2, NM_001410766.1); c.649C>T, p.Gln217Ter (NM_001371594.2); c.514C>T, p.Gln172Ter (NM_001371595.1); and 1 more; short protein forms Q161*, Q217*, Q221*, Q172*, Q116*, Q199*, Q228*, Q266*.
Identifiers: ClinVar variation 4735084 (VCV004735084.1).

ClinVar aggregate classification (germline): Pathogenic (1 of 4 stars; one submission).

Conditions:
Neuronal ceroid lipofuscinosis 7 (CLN7). Also called: MFSD8-Related Neuronal Ceroid-Lipofuscinosis. Identifiers: Orphanet 168491, Orphanet 228366, MedGen C1838571, MONDO:0012588, OMIM 610951.

Submission:

Labcorp Genetics (formerly Invitae), Labcorp
Classification: Pathogenic for Neuronal ceroid lipofuscinosis 7. Last evaluated: 2026-01-11. Review status: criteria provided, single submitter. Criteria: Invitae Variant Classification Sherloc (09022015). Collection method: clinical testing. Allele origin: germline.
Comment: This sequence change creates a premature translational stop signal (p.Gln266*) in the MFSD8 gene. It is expected to result in an absent or disrupted protein product. Loss-of-function variants in MFSD8 are known to be pathogenic (PMID: 19177532, 25227500, 28586915). This variant is not present in population databases (gnomAD no frequency). This variant has not been reported in the literature in individuals affected with MFSD8-related conditions. Algorithms developed to predict the effect of sequence changes on RNA splicing suggest that this variant may disrupt the consensus splice site. For these reasons, this variant has been classified as Pathogenic.

Literature cited by the submitters: PubMed 19177532; PubMed 25227500; PubMed 28586915.